The following is an entry in ClinVar:

ClinVar aggregate classification (germline): Benign. Review status: criteria provided, multiple submitters, no conflicts (2 of 4 stars). 4 submissions from 4 submitters: Benign (3). 1 of the submissions does not count toward it. Last evaluated 2026-02-01.

Conditions:
CPAMD8-related disorder. Also called: CPAMD8-related condition.

Allele frequency attached by ClinVar (database versions not stated): gnomAD 0.10663 and 0.11439; gnomAD exomes 0.02673; ESP Exome Variant Server 0.11029; TOPMed 0.11618; 1000 Genomes Project 0.10383; 1000 Genomes Project 30x 0.11009.
gnomAD v4.1: 55,806 of 1,613,126 alleles (3.5%); highest among the groups gnomAD compares: African/African-American, 33%; 4,617 homozygotes.

Submissions (4):

Labcorp Genetics (formerly Invitae), Labcorp
Classification: Benign. Last evaluated: 2026-02-01. Review status: criteria provided, single submitter. Criteria: Invitae Variant Classification Sherloc (09022015). Collection method: clinical testing. Allele origin: germline.

GeneDx
Classification: Benign. Last evaluated: 2021-05-04. Review status: criteria provided, single submitter. Criteria: GeneDx Variant Classification Process June 2021. Collection method: clinical testing. Allele origin: germline. Affected: yes.

Breakthrough Genomics
Classification: Benign. Review status: criteria provided, single submitter. Criteria: ACMG Guidelines, 2015. Collection method: not provided. Allele origin: germline. Inheritance: Autosomal recessive inheritance. Affected: yes.

PreventionGenetics, part of Exact Sciences
Classification: Benign for CPAMD8-related condition. Last evaluated: 2019-10-28. Review status: no assertion criteria provided. Collection method: clinical testing. Allele origin: germline. Not counted in ClinVar's aggregate classification.
Comment: This variant is classified as benign based on ACMG/AMP sequence variant interpretation guidelines (Richards et al. 2015 PMID: 25741868, with internal and published modifications).

NM_015692.5(CPAMD8):c.2207C>A (p.Pro736His)

Gene: CPAMD8 (C3 and PZP like alpha-2-macroglobulin domain containing 8; minus strand). Cytogenetic location: 19p13.11.
Variant type: single nucleotide variant.
Coding change: c.2207C>A on transcript NM_015692.5 (MANE Select); coding-DNA position 2207, C replaced by A.
Protein change: p.Pro736His; replaces proline 736 with histidine.
Molecular consequence: missense variant. On other transcripts: non-coding transcript variant (1).
Genome position (GRCh38, 1-based): chr19:16,970,897, G>T on the plus strand (C>A on the coding strand, the complement: CPAMD8 is on the minus strand). VCF-style: chr19-16970897-G-T. GRCh37 (hg19) VCF-style: chr19-17081707-G-T.
Other names: short protein forms P736H.
Identifiers: ClinVar variation 1227278 (VCV001227278.14), dbSNP rs9305083, ClinGen allele CA9285400.